The following is an entry in ClinVar:

NM_000552.5(VWF):c.7457A>G (p.His2486Arg)

Gene: VWF (von Willebrand factor; minus strand). Cytogenetic location: 12p13.31.
Variant type: single nucleotide variant.
Coding change: c.7457A>G on transcript NM_000552.5 (MANE Select); coding-DNA position 7457, A replaced by G.
Protein change: p.His2486Arg; replaces histidine 2486 with arginine.
Molecular consequence: missense variant.
Genome position (GRCh38, 1-based): chr12:5,971,690, T>C on the plus strand (A>G on the coding strand, the complement: VWF is on the minus strand). VCF-style: chr12-5971690-T-C. GRCh37 (hg19) VCF-style: chr12-6080856-T-C.
Other names: c.7457A>G (NM_000552.3); short protein forms H2486R.
Identifiers: ClinVar variation 993257 (VCV000993257.4), dbSNP rs1312908190, ClinGen allele CA383489820.

ClinVar aggregate classification (germline): Conflicting classifications of pathogenicity. Review status: criteria provided, conflicting classifications (1 of 4 stars). 4 submissions from 4 submitters: Uncertain significance (2); Likely benign (2). Last evaluated 2026-01-09.

Conditions:
Inborn genetic diseases. Identifiers: MedGen C0950123, MeSH D030342.

Allele frequency attached by ClinVar (database versions not stated): gnomAD 0.00001; TOPMed 0.00002.
gnomAD v4.1: 11 of 1,614,052 alleles (0.00068%); highest among the groups gnomAD compares: Non-Finnish European, 0.00085%; no homozygotes.

Submissions (4):

Women's Health and Genetics/Laboratory Corporation of America, LabCorp
Classification: Uncertain significance. Last evaluated: 2026-01-09. Review status: criteria provided, single submitter. Criteria: LabCorp Variant Classification Summary - May 2015. Collection method: clinical testing. Allele origin: germline.
Comment: Variant summary: VWF c.7457A>G (p.His2486Arg) results in a non-conservative amino acid change in the encoded protein sequence. Algorithms developed to predict the effect of missense changes on protein structure and function are either unavailable or do not agree on the potential impact of this missense change. The variant was absent in 251326 control chromosomes. The available data on variant occurrences in the general population are insufficient to allow any conclusion about variant significance. To our knowledge, no occurrence of c.7457A>G in individuals affected with VWF-related conditions and no experimental evidence demonstrating its impact on protein function have been reported. ClinVar contains an entry for this variant (Variation ID: 993257). Based on the evidence outlined above, the variant was classified as uncertain significance.

Ambry Genetics
Classification: Likely benign for Inborn genetic diseases. Last evaluated: 2025-10-14. Review status: criteria provided, single submitter. Criteria: Ambry Variant Classification Scheme 2023. Collection method: clinical testing. Allele origin: germline.

Blueprint Genetics
Classification: Likely benign. Last evaluated: 2021-07-22. Review status: criteria provided, single submitter. Criteria: ACMG Guidelines, 2015. Collection method: clinical testing. Allele origin: germline.

Quest Diagnostics Nichols Institute San Juan Capistrano
Classification: Uncertain significance. Last evaluated: 2019-09-16. Review status: criteria provided, single submitter. Criteria: Quest Diagnostics criteria. Collection method: clinical testing. Allele origin: unknown.